The following is an entry in ClinVar:

ClinVar aggregate classification (germline): Likely benign (1 of 4 stars; one submission).

Allele frequency attached by ClinVar (database versions not stated): 1000 Genomes Project 0.00060; ExAC 0.00129; gnomAD 0.00056.
gnomAD v4.1: 895 of 1,494,894 alleles (0.06%); highest among the groups gnomAD compares: Middle Eastern, 0.75%; 97 homozygotes.

Submission:

CeGaT Center for Human Genetics Tuebingen
Classification: Likely benign. Last evaluated: 2022-09-01. Review status: criteria provided, single submitter. Criteria: CeGaT Center For Human Genetics Tuebingen Variant Classification Criteria Version 2. Collection method: clinical testing. Allele origin: germline. Affected: yes. Observed: 2 variant alleles.
Comment: MUC4: BP4, BP7

NM_018406.7(MUC4):c.10515T>A (p.Leu3505=)

Gene: MUC4 (mucin 4, cell surface associated). Cytogenetic location: 3q29.
Variant type: single nucleotide variant.
Coding change: c.10515T>A on transcript NM_018406.7 (MANE Select); coding-DNA position 10515, T replaced by A.
Protein change: p.Leu3505=; no amino-acid change (leucine 3505 retained).
Molecular consequence: synonymous variant. On other transcripts: genic upstream transcript variant (2).
Genome position (GRCh38, 1-based): chr3:195,781,065, A>T on the plus strand (T>A on the coding strand, the complement: MUC4 is on the minus strand). VCF-style: chr3-195781065-A-T. GRCh37 (hg19) VCF-style: chr3-195507936-A-T.
Other names: c.15285T>A, p.Leu5095= (NM_001322468.1); c.83-6760T>A (NM_138297.5); c.83-2610T>A (NM_004532.6).
Identifiers: ClinVar variation 2654425 (VCV002654425.24), dbSNP rs1374377791, ClinGen allele CA2770081.